The following is an entry in ClinVar:

ClinVar aggregate classification (germline): Benign/Likely benign. Review status: criteria provided, multiple submitters, no conflicts (2 of 4 stars). 4 submissions from 4 submitters: Benign (1); Likely benign (3). Last evaluated 2024-12-20.

Conditions:
Lynch syndrome 5 (LYNCH5). Also called: Colorectal cancer, hereditary nonpolyposis, type 5; Hereditary non-polyposis colorectal cancer, type 5. Identifiers: Orphanet 144, MedGen C1833477, MONDO:0013710, OMIM 614350. Disease mechanism: loss of function.
Hereditary nonpolyposis colorectal neoplasms. Identifiers: MedGen C0009405, MeSH D003123.
Hereditary cancer-predisposing syndrome. Also called: Neoplastic Syndromes, Hereditary; Tumor predisposition; Hereditary Cancer Syndrome; Hereditary neoplastic syndrome. Identifiers: Orphanet 140162, MedGen C0027672, MeSH D009386, MONDO:0015356.

gnomAD v4.1: 2 of 1,614,160 alleles (0.00012%); highest among the groups gnomAD compares: East Asian, 0.0022%; no homozygotes.

Submissions (4):

Myriad Genetics, Inc.
Classification: Benign for Lynch syndrome 5. Last evaluated: 2024-12-20. Review status: criteria provided, single submitter. Criteria: Myriad Autosomal Dominant, Autosomal Recessive and X-Linked Classification Criteria (2023). Collection method: clinical testing. Allele origin: unknown.
Comment: This variant is considered benign. This variant is a silent/synonymous amino acid change and it is not expected to impact splicing.

Ambry Genetics
Classification: Likely benign for Hereditary cancer-predisposing syndrome. Last evaluated: 2024-10-20. Review status: criteria provided, single submitter. Criteria: Ambry Variant Classification Scheme 2023. Collection method: clinical testing. Allele origin: germline.

Labcorp Genetics (formerly Invitae), Labcorp
Classification: Likely benign for Hereditary nonpolyposis colorectal neoplasms. Last evaluated: 2021-12-11. Review status: criteria provided, single submitter. Criteria: Invitae Variant Classification Sherloc (09022015). Collection method: clinical testing. Allele origin: germline.

Color Diagnostics, LLC DBA Color Health
Classification: Likely benign for Hereditary cancer-predisposing syndrome. Last evaluated: 2019-01-28. Review status: criteria provided, single submitter. Criteria: ACMG Guidelines, 2015. Collection method: clinical testing. Allele origin: germline.

NM_000179.3(MSH6):c.846G>T (p.Val282=)

Gene: MSH6 (mutS homolog 6; plus strand). Cytogenetic location: 2p16.3.
Variant type: single nucleotide variant.
Coding change: c.846G>T on transcript NM_000179.3 (MANE Select); coding-DNA position 846, G replaced by T.
Protein change: p.Val282=; no amino-acid change (valine 282 retained).
Molecular consequence: synonymous variant. On other transcripts: 5 prime UTR variant (2).
Genome position (GRCh38, 1-based): chr2:47,798,829, G>T. VCF-style: chr2-47798829-G-T. GRCh37 (hg19) VCF-style: chr2-48025968-G-T.
Other names: c.456G>T, p.Val152= (NM_001281492.2); c.-61G>T (NM_001281493.2, NM_001281494.2).
Identifiers: ClinVar variation 919444 (VCV000919444.12), dbSNP rs573638836, ClinGen allele CA426120925.